The following is an entry in ClinVar:

NM_001130987.2(DYSF):c.3090G>A (p.Trp1030Ter)

Gene: DYSF (dysferlin; plus strand). Cytogenetic location: 2p13.2.
Variant type: single nucleotide variant.
Coding change: c.3090G>A on transcript NM_001130987.2 (MANE Select); coding-DNA position 3090, G replaced by A.
Protein change: p.Trp1030Ter; replaces tryptophan 1030 with a stop codon.
Molecular consequence: nonsense.
Genome position (GRCh38, 1-based): chr2:71,570,603, G>A. VCF-style: chr2-71570603-G-A. GRCh37 (hg19) VCF-style: chr2-71797733-G-A.
Other names: c.3039G>A, p.Trp1013Ter (NM_001130455.2, NM_001130983.2); c.2994G>A, p.Trp998Ter (NM_001130976.2, NM_001130977.2); c.3036G>A, p.Trp1012Ter (NM_001130978.2, NM_003494.4); c.3129G>A, p.Trp1043Ter (NM_001130979.2); c.3087G>A, p.Trp1029Ter (NM_001130980.2, NM_001130981.2); c.3132G>A, p.Trp1044Ter (NM_001130982.2); c.2997G>A, p.Trp999Ter (NM_001130984.2, NM_001130986.2); c.3090G>A, p.Trp1030Ter (NM_001130985.2); short protein forms W1012*, W1013*, W1029*, W1030*, W1043*, W1044*, W998*, W999*.
Identifiers: ClinVar variation 3620425 (VCV003620425.2).

ClinVar aggregate classification (germline): Pathogenic (1 of 4 stars; one submission).

Conditions:
Neuromuscular disease caused by qualitative or quantitative defects of dysferlin. Also called: Dysferlinopathy; Qualitative or quantitative defects of dysferlin. Identifiers: Orphanet 207073, MedGen C2931687, MONDO:0016145.

gnomAD v4.1: 12 of 1,613,778 alleles (0.00074%); highest among the groups gnomAD compares: Non-Finnish European, 0.00093%; no homozygotes.

Submission:

Labcorp Genetics (formerly Invitae), Labcorp
Classification: Pathogenic for Neuromuscular disease caused by qualitative or quantitative defects of dysferlin. Last evaluated: 2024-02-02. Review status: criteria provided, single submitter. Criteria: Invitae Variant Classification Sherloc (09022015). Collection method: clinical testing. Allele origin: germline.
Comment: This sequence change creates a premature translational stop signal (p.Trp1012*) in the DYSF gene. It is expected to result in an absent or disrupted protein product. Loss-of-function variants in DYSF are known to be pathogenic (PMID: 17698709, 20301480). This variant is not present in population databases (gnomAD no frequency). This premature translational stop signal has been observed in individual(s) with limb girdle muscular dystrophy (PMID: 33610434). For these reasons, this variant has been classified as Pathogenic.

Literature cited by the submitters: PubMed 17698709; PubMed 20301480; PubMed 33610434.